The following is an entry in ClinVar:

NM_012330.4(KAT6B):c.4528G>A (p.Glu1510Lys)

Gene: KAT6B (lysine acetyltransferase 6B; plus strand). Cytogenetic location: 10q22.2.
Variant type: single nucleotide variant.
Coding change: c.4528G>A on transcript NM_012330.4 (MANE Select); coding-DNA position 4528, G replaced by A.
Protein change: p.Glu1510Lys; replaces glutamic acid 1510 with lysine.
Molecular consequence: missense variant.
Genome position (GRCh38, 1-based): chr10:75,029,352, G>A. VCF-style: chr10-75029352-G-A. GRCh37 (hg19) VCF-style: chr10-76789110-G-A.
Other names: c.3979G>A, p.Glu1327Lys (NM_001256468.2, NM_001370138.1); c.3652G>A, p.Glu1218Lys (NM_001256469.2, NM_001370139.1, NM_001370140.1 and 2 more transcripts); c.3490G>A, p.Glu1164Lys (NM_001370132.1); c.2839G>A, p.Glu947Lys (NM_001370133.1); c.2443G>A, p.Glu815Lys (NM_001370134.1); c.2185G>A, p.Glu729Lys (NM_001370135.1); c.4528G>A, p.Glu1510Lys (NM_001370136.1, NM_001370137.1); c.3463G>A, p.Glu1155Lys (NM_001370143.1, NM_001370144.1); short protein forms E1155K, E1218K, E1327K, E729K, E947K, E1164K, E1510K, E815K.
Identifiers: ClinVar variation 2190127 (VCV002190127.4), dbSNP rs1846134504, ClinGen allele CA377297542.

ClinVar aggregate classification (germline): Uncertain significance (1 of 4 stars; one submission).

Conditions:
Genitopatellar syndrome (GTPTS). Also called: Genitopatellar syndrome (GPS); ABSENT PATELLAE, SCROTAL HYPOPLASIA, RENAL ANOMALIES, FACIAL DYSMORPHISM, AND MENTAL RETARDATION. Identifiers: Orphanet 85201, MedGen C1853566, MONDO:0011640, OMIM 606170.

Allele frequency attached by ClinVar (database versions not stated): TOPMed below 0.00001.

Submission:

Labcorp Genetics (formerly Invitae), Labcorp
Classification: Uncertain significance for Genitopatellar syndrome. Last evaluated: 2021-12-21. Review status: criteria provided, single submitter. Criteria: Invitae Variant Classification Sherloc (09022015). Collection method: clinical testing. Allele origin: germline.
Comment: In summary, the available evidence is currently insufficient to determine the role of this variant in disease. Therefore, it has been classified as a Variant of Uncertain Significance. Algorithms developed to predict the effect of missense changes on protein structure and function (SIFT, PolyPhen-2, Align-GVGD) all suggest that this variant is likely to be tolerated. This sequence change replaces glutamic acid, which is acidic and polar, with lysine, which is basic and polar, at codon 1510 of the KAT6B protein (p.Glu1510Lys). This variant is not present in population databases (gnomAD no frequency). This variant has not been reported in the literature in individuals affected with KAT6B-related conditions.